The following is an entry in ClinVar:

ClinVar aggregate classification (germline): Likely benign (1 of 4 stars; one submission).

Conditions:
ZFYVE19-related disorder. Also called: ZFYVE19-related condition.

gnomAD v4.1: 385 of 1,612,740 alleles (0.024%); highest among the groups gnomAD compares: African/African-American, 0.46%; no homozygotes.

Submission:

PreventionGenetics, part of Exact Sciences
Classification: Likely benign for ZFYVE19-related condition. Last evaluated: 2025-11-21. Review status: criteria provided, single submitter. Criteria: ACMG Guidelines, 2015. Collection method: clinical testing. Allele origin: germline.
Comment: This variant is classified as likely benign based on ACMG/AMP sequence variant interpretation guidelines (Richards et al. 2015 PMID: 25741868, with internal and published modifications).

NM_001077268.2(ZFYVE19):c.22C>T (p.Pro8Ser)

Gene: ZFYVE19 (zinc finger FYVE-type containing 19; plus strand). Cytogenetic location: 15q15.1.
Variant type: single nucleotide variant.
Coding change: c.22C>T on transcript NM_001077268.2 (MANE Select); coding-DNA position 22, C replaced by T.
Protein change: p.Pro8Ser; replaces proline 8 with serine.
Molecular consequence: missense variant. On other transcripts: 5 prime UTR variant (1), intron variant (1).
Genome position (GRCh38, 1-based): chr15:40,807,611, C>T. VCF-style: chr15-40807611-C-T. GRCh37 (hg19) VCF-style: chr15-41099809-C-T.
Other names: c.22C>T, p.Pro8Ser (NM_001258420.2); c.-307C>T (NM_001258421.2); c.125+198C>T (NM_032850.5); short protein forms P8S.
Identifiers: ClinVar variation 4989827 (VCV004989827.1).